The following is an entry in ClinVar:

NM_005491.5(MAMLD1):c.*413C>T

Gene: MAMLD1 (mastermind like domain containing 1; plus strand). Cytogenetic location: Xq28.
Variant type: single nucleotide variant.
Coding change: c.*413C>T on transcript NM_005491.5 (MANE Select); 413 bases downstream of the stop codon, C replaced by T.
Molecular consequence: 3 prime UTR variant. On other transcripts: missense variant (2).
Genome position (GRCh38, 1-based): chrX:150,512,372, C>T. VCF-style: chrX-150512372-C-T. GRCh37 (hg19) VCF-style: chrX-149680642-C-T.
Other names: c.2296C>T, p.Arg766Trp (NM_001177465.3); c.*413C>T (NM_001177466.3, NM_001400513.1, NM_001400514.1 and 1 more transcripts); c.2371C>T, p.Arg791Trp (NM_001400512.1); short protein forms R766W, R791W.
Identifiers: ClinVar variation 4979430 (VCV004979430.1).

ClinVar aggregate classification (germline): Likely benign (1 of 4 stars; one submission).

Conditions:
MAMLD1-related disorder. Also called: MAMLD1-related condition.

gnomAD v4.1: 78 of 1,138,014 alleles (0.0069%); highest among the groups gnomAD compares: South Asian, 0.052%; no homozygotes.

Submission:

PreventionGenetics, part of Exact Sciences
Classification: Likely benign for MAMLD1-related condition. Last evaluated: 2025-09-08. Review status: criteria provided, single submitter. Criteria: ACMG Guidelines, 2015. Collection method: clinical testing. Allele origin: germline.
Comment: This variant is classified as likely benign based on ACMG/AMP sequence variant interpretation guidelines (Richards et al. 2015 PMID: 25741868, with internal and published modifications).